The following is an entry in ClinVar:

NM_022041.4(GAN):c.1628A>G (p.Tyr543Cys)

Gene: GAN (gigaxonin; plus strand). Cytogenetic location: 16q23.2.
Variant type: single nucleotide variant.
Coding change: c.1628A>G on transcript NM_022041.4 (MANE Select); coding-DNA position 1628, A replaced by G.
Protein change: p.Tyr543Cys; replaces tyrosine 543 with cysteine.
Molecular consequence: missense variant.
Genome position (GRCh38, 1-based): chr16:81,377,430, A>G. VCF-style: chr16-81377430-A-G. GRCh37 (hg19) VCF-style: chr16-81411035-A-G.
Other names: c.989A>G, p.Tyr330Cys (NM_001377486.1); short protein forms Y543C, Y330C.
Identifiers: ClinVar variation 245810 (VCV000245810.12), dbSNP rs879253958, ClinGen allele CA10584541.

ClinVar aggregate classification (germline): Uncertain significance. Review status: criteria provided, multiple submitters, no conflicts (2 of 4 stars). 2 submissions from 2 submitters: Uncertain significance (2). Last evaluated 2022-07-11.

Conditions:
Giant axonal neuropathy 1 (GAN1). Also called: GIANT AXONAL NEUROPATHY 1, AUTOSOMAL RECESSIVE; GAN-Related Neurodegeneration. Identifiers: Orphanet 643, MedGen C1850386, MONDO:0009749, OMIM 256850.

Allele frequency attached by ClinVar (database versions not stated): gnomAD 0.00001.
gnomAD v4.1: 1 of 1,613,880 alleles (0.000062%); highest among the groups gnomAD compares: African/African-American, 0.0013%; no homozygotes.

Submissions (2):

Labcorp Genetics (formerly Invitae), Labcorp
Classification: Uncertain significance for Giant axonal neuropathy 1. Last evaluated: 2022-07-11. Review status: criteria provided, single submitter. Criteria: Invitae Variant Classification Sherloc (09022015). Collection method: clinical testing. Allele origin: germline.
Comment: In summary, the available evidence is currently insufficient to determine the role of this variant in disease. Therefore, it has been classified as a Variant of Uncertain Significance. Algorithms developed to predict the effect of missense changes on protein structure and function (SIFT, PolyPhen-2, Align-GVGD) all suggest that this variant is likely to be tolerated. ClinVar contains an entry for this variant (Variation ID: 245810). This variant has not been reported in the literature in individuals affected with GAN-related conditions. This variant is not present in population databases (gnomAD no frequency). This sequence change replaces tyrosine, which is neutral and polar, with cysteine, which is neutral and slightly polar, at codon 543 of the GAN protein (p.Tyr543Cys).

GeneDx
Classification: Uncertain significance. Last evaluated: 2015-06-18. Review status: criteria provided, single submitter. Criteria: GeneDx Variant Classification (06012015). Collection method: clinical testing. Allele origin: germline. Affected: yes.
Comment: The Y543C variant has not been published as pathogenic, nor has it been reported as a benign polymorphism to our knowledge. It was not observed in approximately 6,500 individuals of European and African American ancestry in the NHLBI Exome Sequencing Project, indicating it is not a common benign variant in these populations. The Y543C variant is a non-conservative amino acid substitution, which is likely to impact secondary protein structure as these residues differ in polarity, charge, size and/or other properties. This substitution occurs at a position that is conserved across species, and in silico analysis predicts this variant is probably damaging to the protein structure/function. Additionally, missense variants in a nearby residue (R545C/H) have been reported in the Human Gene Mutation Database in association with giant axonal neuropathy (Stenson et al., 2014). Based on the currently available information, it is unclear whether this variant is a pathogenic or a rare benign variant.